The following is an entry in ClinVar:

NM_001184.4(ATR):c.6401C>T (p.Ala2134Val)

Gene: ATR (ATR checkpoint kinase; minus strand). Cytogenetic location: 3q23.
Variant type: single nucleotide variant.
Coding change: c.6401C>T on transcript NM_001184.4 (MANE Select); coding-DNA position 6401, C replaced by T.
Protein change: p.Ala2134Val; replaces alanine 2134 with valine.
Molecular consequence: missense variant.
Genome position (GRCh38, 1-based): chr3:142,469,488, G>A on the plus strand (C>T on the coding strand, the complement: ATR is on the minus strand). VCF-style: chr3-142469488-G-A. GRCh37 (hg19) VCF-style: chr3-142188330-G-A.
Other names: c.6209C>T, p.Ala2070Val (NM_001354579.2); short protein forms A2070V, A2134V.
Identifiers: ClinVar variation 1753342 (VCV001753342.2), dbSNP rs2108279311, ClinGen allele CA354805019.

ClinVar aggregate classification (germline): Uncertain significance (1 of 4 stars; one submission).

Conditions:
Inborn genetic diseases. Identifiers: MedGen C0950123, MeSH D030342.

Submission:

Ambry Genetics
Classification: Uncertain significance for Inborn genetic diseases. Last evaluated: 2022-08-16. Review status: criteria provided, single submitter. Criteria: Ambry Variant Classification Scheme 2023. Collection method: clinical testing. Allele origin: germline.
Comment: The p.A2134V variant (also known as c.6401C>T), located in coding exon 38 of the ATR gene, results from a C to T substitution at nucleotide position 6401. The alanine at codon 2134 is replaced by valine, an amino acid with similar properties. This amino acid position is conserved. In addition, this alteration is predicted to be tolerated by in silico analysis. Since supporting evidence is limited at this time, the clinical significance of this alteration remains unclear.